The following is an entry in ClinVar:

ClinVar aggregate classification (germline): Uncertain significance (1 of 4 stars; one submission).

Submission:

Labcorp Genetics (formerly Invitae), Labcorp
Classification: Uncertain significance. Last evaluated: 2025-09-11. Review status: criteria provided, single submitter. Criteria: Invitae Variant Classification Sherloc (09022015). Collection method: clinical testing. Allele origin: germline.
Comment: This sequence change replaces aspartic acid, which is acidic and polar, with tyrosine, which is neutral and polar, at codon 215 of the CASQ1 protein (p.Asp215Tyr). This variant is not present in population databases (gnomAD no frequency). This variant has not been reported in the literature in individuals affected with CASQ1-related conditions. Invitae Evidence Modeling of protein sequence and biophysical properties (such as structural, functional, and spatial information, amino acid conservation, physicochemical variation, residue mobility, and thermodynamic stability) indicates that this missense variant is not expected to disrupt CASQ1 protein function with a negative predictive value of 80%. In summary, the available evidence is currently insufficient to determine the role of this variant in disease. Therefore, it has been classified as a Variant of Uncertain Significance.

NM_001231.5(CASQ1):c.643G>T (p.Asp215Tyr)

Gene: CASQ1 (calsequestrin 1; plus strand). Cytogenetic location: 1q23.2.
Variant type: single nucleotide variant.
Coding change: c.643G>T on transcript NM_001231.5 (MANE Select); coding-DNA position 643, G replaced by T.
Protein change: p.Asp215Tyr; replaces aspartic acid 215 with tyrosine.
Molecular consequence: missense variant.
Genome position (GRCh38, 1-based): chr1:160,195,526, G>T. VCF-style: chr1-160195526-G-T. GRCh37 (hg19) VCF-style: chr1-160165316-G-T.
Other names: short protein forms D215Y.
Identifiers: ClinVar variation 4777468 (VCV004777468.1).